The following is an entry in ClinVar:

ClinVar aggregate classification (germline): Uncertain significance (1 of 4 stars; one submission).

Conditions:
Fanconi anemia (FA). Also called: Fanconi's anemia. Identifiers: Orphanet 84, MedGen C0015625, MeSH D005199, MONDO:0019391.

Submission:

Labcorp Genetics (formerly Invitae), Labcorp
Classification: Uncertain significance for Fanconi anemia. Last evaluated: 2023-03-02. Review status: criteria provided, single submitter. Criteria: Invitae Variant Classification Sherloc (09022015). Collection method: clinical testing. Allele origin: germline.
Comment: Algorithms developed to predict the effect of missense changes on protein structure and function output the following: SIFT: "Not Available"; PolyPhen-2: "Benign"; Align-GVGD: "Not Available". The glutamic acid amino acid residue is found in multiple mammalian species, which suggests that this missense change does not adversely affect protein function. This variant has not been reported in the literature in individuals affected with FANCM-related conditions. This variant is not present in population databases (gnomAD no frequency). This sequence change replaces aspartic acid, which is acidic and polar, with glutamic acid, which is acidic and polar, at codon 1243 of the FANCM protein (p.Asp1243Glu). In summary, the available evidence is currently insufficient to determine the role of this variant in disease. Therefore, it has been classified as a Variant of Uncertain Significance.

NM_020937.4(FANCM):c.3729T>G (p.Asp1243Glu)

Gene: FANCM (FA complementation group M; plus strand). Cytogenetic location: 14q21.2.
Variant type: single nucleotide variant.
Coding change: c.3729T>G on transcript NM_020937.4 (MANE Select); coding-DNA position 3729, T replaced by G.
Protein change: p.Asp1243Glu; replaces aspartic acid 1243 with glutamic acid.
Molecular consequence: missense variant.
Genome position (GRCh38, 1-based): chr14:45,176,483, T>G. VCF-style: chr14-45176483-T-G. GRCh37 (hg19) VCF-style: chr14-45645686-T-G.
Other names: c.3651T>G, p.Asp1217Glu (NM_001308133.2); short protein forms D1243E, D1217E.
Identifiers: ClinVar variation 2878670 (VCV002878670.3), dbSNP rs2503194010, ClinGen allele CA389602781.